The following is an entry in ClinVar:

NM_003803.4(MYOM1):c.66G>C (p.Val22=)

Gene: MYOM1 (myomesin 1; minus strand). Cytogenetic location: 18p11.31.
Variant type: single nucleotide variant.
Coding change: c.66G>C on transcript NM_003803.4 (MANE Select); coding-DNA position 66, G replaced by C.
Protein change: p.Val22=; no amino-acid change (valine 22 retained).
Molecular consequence: synonymous variant.
Genome position (GRCh38, 1-based): chr18:3,215,158, C>G on the plus strand (G>C on the coding strand, the complement: MYOM1 is on the minus strand). VCF-style: chr18-3215158-C-G. GRCh37 (hg19) VCF-style: chr18-3215156-C-G.
Other names: c.66G>C, p.Val22= (NM_019856.2).
Identifiers: ClinVar variation 226835 (VCV000226835.20), dbSNP rs1662316, ClinGen allele CA8875371.

ClinVar aggregate classification (germline): Benign. Review status: criteria provided, multiple submitters, no conflicts (2 of 4 stars). 6 submissions from 6 submitters: Benign (5). 1 of the submissions does not count toward it. Last evaluated 2026-02-04.

Conditions:
Cardiovascular phenotype. Identifiers: MedGen CN230736.
MYOM1-related disorder.
Hypertrophic cardiomyopathy. Also called: HYPERTROPHIC MYOCARDIOPATHY. Identifiers: Orphanet 217569, MedGen C0007194, MeSH D002312, MONDO:0005045, HP:0001639.

Allele frequency attached by ClinVar (database versions not stated): ESP Exome Variant Server 0.09704; TOPMed 0.10488; gnomAD 0.10760; 1000 Genomes Project 30x 0.12555; 1000 Genomes Project 0.12899.
gnomAD v4.1: 156,133 of 1,613,430 alleles (9.7%); highest among the groups gnomAD compares: East Asian, 18%; 7,946 homozygotes.

Submissions (6):

Labcorp Genetics (formerly Invitae), Labcorp
Classification: Benign for Hypertrophic cardiomyopathy. Last evaluated: 2026-02-04. Review status: criteria provided, single submitter. Criteria: Invitae Variant Classification Sherloc (09022015). Collection method: clinical testing. Allele origin: germline.

GeneDx
Classification: Benign. Last evaluated: 2018-09-06. Review status: criteria provided, single submitter. Criteria: GeneDx Variant Classification Process June 2021. Collection method: clinical testing. Allele origin: germline. Affected: yes.

Laboratory for Molecular Medicine, Mass General Brigham Personalized Medicine
Classification: Benign. Last evaluated: 2014-11-24. Review status: criteria provided, single submitter. Criteria: LMM Criteria. Collection method: clinical testing. Allele origin: germline. Observed: 92 variant alleles.
Comment: Val22Val in exon 2 of MYOM1: This variant is not expected to have clinical signi ficance because it does not alter an amino acid residue and is not located withi n the splice consensus sequence. It has been identified in 12.0% (504/4212) of A frican American chromosomes from a broad population by the NHLBI Exome Sequencin g Project (dbSNP rs1662316).

Ambry Genetics
Classification: Benign for Cardiovascular phenotype. Last evaluated: 2013-01-21. Review status: criteria provided, single submitter. Criteria: Ambry Autosomal Dominant and X-Linked criteria (10/2015). Collection method: clinical testing. Allele origin: germline. Observed: 1 variant allele.
Comment: General population or subpopulation frequency is too high to be a pathogenic mutation based on disease/syndrome prevalence and penetrance

Breakthrough Genomics
Classification: Benign. Review status: criteria provided, single submitter. Criteria: ACMG Guidelines, 2015. Collection method: not provided. Allele origin: germline. Inheritance: Unknown mechanism. Affected: yes.

PreventionGenetics, part of Exact Sciences
Classification: Benign for MYOM1-related condition. Last evaluated: 2019-10-21. Review status: no assertion criteria provided. Collection method: clinical testing. Allele origin: germline. Not counted in ClinVar's aggregate classification.
Comment: This variant is classified as benign based on ACMG/AMP sequence variant interpretation guidelines (Richards et al. 2015 PMID: 25741868, with internal and published modifications).